The following is an entry in ClinVar:

NM_005921.2(MAP3K1):c.963G>T (p.Gln321His)

Gene: MAP3K1 (mitogen-activated protein kinase kinase kinase 1; plus strand). Cytogenetic location: 5q11.2.
Variant type: single nucleotide variant.
Coding change: c.963G>T on transcript NM_005921.2 (MANE Select); coding-DNA position 963, G replaced by T.
Protein change: p.Gln321His; replaces glutamine 321 with histidine.
Molecular consequence: missense variant.
Genome position (GRCh38, 1-based): chr5:56,864,862, G>T. VCF-style: chr5-56864862-G-T. GRCh37 (hg19) VCF-style: chr5-56160689-G-T.
Other names: short protein forms Q321H.
Identifiers: ClinVar variation 451623 (VCV000451623.3), dbSNP rs377226281, ClinGen allele CA359803007.
Genomic context (GRCh38, chr5:56,864,862, plus strand): 5'-TGAGGAAACAAACCGCCGTGTTAACAAAGTGATGCGGGCCAGACTGTACTTACTGCAGCA[G>T]ATAGGGCCTAACTCTTTCCTGATTGGAGGAGACAGCCCAGACAATAAATACCGGGTGTTT-3'
Protein context (NP_005912.1, residues 311-331): VMRARLYLLQ[Gln321His]IGPNSFLIGG

ClinVar aggregate classification (germline): Uncertain significance (1 of 4 stars; one submission).

Submission:

GeneDx
Classification: Uncertain significance. Last evaluated: 2019-11-11. Review status: criteria provided, single submitter. Criteria: GeneDx Variant Classification Process June 2021. Collection method: clinical testing. Allele origin: germline. Affected: yes.
Comment: Not observed in large population cohorts (Lek et al., 2016); In silico analysis, which includes protein predictors and evolutionary conservation, supports that this variant does not alter protein structure/function; Has not been previously published as pathogenic or benign to our knowledge